The following is an entry in ClinVar:

NM_000525.4(KCNJ11):c.309C>T (p.Ser103=)

Gene: KCNJ11 (potassium inwardly rectifying channel subfamily J member 11; minus strand). Cytogenetic location: 11p15.1.
Variant type: single nucleotide variant.
Coding change: c.309C>T on transcript NM_000525.4 (MANE Select); coding-DNA position 309, C replaced by T.
Protein change: p.Ser103=; no amino-acid change (serine 103 retained).
Molecular consequence: synonymous variant.
Genome position (GRCh38, 1-based): chr11:17,387,783, G>A on the plus strand (C>T on the coding strand, the complement: KCNJ11 is on the minus strand). VCF-style: chr11-17387783-G-A. GRCh37 (hg19) VCF-style: chr11-17409330-G-A.
Other names: c.48C>T, p.Ser16= (NM_001166290.2, NM_001377296.1, NM_001377297.1).
Identifiers: ClinVar variation 750621 (VCV000750621.15), dbSNP rs376773562, ClinGen allele CA5902304.
Genomic context (GRCh38, chr11:17,387,783, plus strand): 5'-GAAAAGGAAGGCAGACGAGAAGGAGTGGATGCTGGTGACACAGGGCTCAGCAGTGCCCTC[G>A]CTGGGGGCCAGGTCACCGTGGGCGAAGGCGATGAGCCACCAGGCCATGGCGAAGAGCAGC-3'
Protein context (NP_000516.3, residues 93-113): IAFAHGDLAP[Ser103=]EGTAEPCVTS

ClinVar aggregate classification (germline): Benign/Likely benign. Review status: criteria provided, multiple submitters, no conflicts (2 of 4 stars). 5 submissions from 5 submitters: Benign (2); Likely benign (2). 1 of the submissions does not count toward it. Last evaluated 2026-01-25.

Conditions:
Permanent neonatal diabetes mellitus (PNDM). Identifiers: Orphanet 99885, MedGen C1833104, MONDO:0100164, MONDO:0011643. Disease mechanism: gain of function.
KCNJ11-related disorder. Also called: KCNJ11-related condition; KCNJ11-related disorders.

Allele frequency attached by ClinVar (database versions not stated): TOPMed 0.00002; 1000 Genomes Project 30x 0.00172; 1000 Genomes Project 0.00180.

Submissions (5):

Labcorp Genetics (formerly Invitae), Labcorp
Classification: Benign. Last evaluated: 2026-01-25. Review status: criteria provided, single submitter. Criteria: Invitae Variant Classification Sherloc (09022015). Collection method: clinical testing. Allele origin: germline.

PreventionGenetics, part of Exact Sciences
Classification: Likely benign for KCNJ11-related condition. Last evaluated: 2025-07-30. Review status: criteria provided, single submitter. Criteria: ACMG Guidelines, 2015. Collection method: clinical testing. Allele origin: germline.
Comment: This variant is classified as likely benign based on ACMG/AMP sequence variant interpretation guidelines (Richards et al. 2015 PMID: 25741868, with internal and published modifications).

Women's Health and Genetics/Laboratory Corporation of America, LabCorp
Classification: Benign. Last evaluated: 2024-09-23. Review status: criteria provided, single submitter. Criteria: LabCorp Variant Classification Summary - May 2015. Collection method: clinical testing. Allele origin: germline.

Blueprint Genetics
Classification: Likely benign. Last evaluated: 2024-09-20. Review status: criteria provided, single submitter. Criteria: ACMG Guidelines, 2015. Collection method: clinical testing. Allele origin: germline.

Natera, Inc.
Classification: Likely benign for Permanent neonatal diabetes mellitus. Last evaluated: 2020-04-13. Review status: no assertion criteria provided. Collection method: clinical testing. Allele origin: germline. Not counted in ClinVar's aggregate classification.